The following is an entry in ClinVar:

ClinVar aggregate classification (germline): Uncertain significance (1 of 4 stars; one submission).

Allele frequency attached by ClinVar (database versions not stated): TOPMed below 0.00001.
gnomAD v4.1: 8 of 1,614,190 alleles (0.0005%); highest among the groups gnomAD compares: Non-Finnish European, 0.00059%; no homozygotes.

Submission:

Women's Health and Genetics/Laboratory Corporation of America, LabCorp
Classification: Uncertain significance. Last evaluated: 2023-11-15. Review status: criteria provided, single submitter. Criteria: LabCorp Variant Classification Summary - May 2015. Collection method: clinical testing. Allele origin: germline.
Comment: Variant summary: NFE2L2 c.941A>G (p.Asn314Ser) results in a conservative amino acid change in the encoded protein sequence. Five of five in-silico tools predict a benign effect of the variant on protein function. The variant was absent in 249852 control chromosomes (gnomAD). The available data on variant occurrences in the general population are insufficient to allow any conclusion about variant significance. To our knowledge, no occurrence of c.941A>G in individuals affected with Immunodeficiency, Developmental Delay, And Hypohomocysteinemia and no experimental evidence demonstrating its impact on protein function have been reported. No submitters have cited clinical-significance assessments for this variant to ClinVar after 2014. Based on the evidence outlined above, the variant was classified as uncertain significance.

NM_006164.5(NFE2L2):c.941A>G (p.Asn314Ser)

Gene: NFE2L2 (NFE2 like bZIP transcription factor 2; minus strand). Cytogenetic location: 2q31.2.
Variant type: single nucleotide variant.
Coding change: c.941A>G on transcript NM_006164.5 (MANE Select); coding-DNA position 941, A replaced by G.
Protein change: p.Asn314Ser; replaces asparagine 314 with serine.
Molecular consequence: missense variant.
Genome position (GRCh38, 1-based): chr2:177,231,662, T>C on the plus strand (A>G on the coding strand, the complement: NFE2L2 is on the minus strand). VCF-style: chr2-177231662-T-C. GRCh37 (hg19) VCF-style: chr2-178096390-T-C.
Other names: c.893A>G, p.Asn298Ser (NM_001145412.3, NM_001313900.1, NM_001313901.1); c.872A>G, p.Asn291Ser (NM_001145413.3); c.851A>G, p.Asn284Ser (NM_001313902.2); c.722A>G, p.Asn241Ser (NM_001313903.2); c.641A>G, p.Asn214Ser (NM_001313904.1); short protein forms N214S, N241S, N284S, N291S, N298S, N314S.
Identifiers: ClinVar variation 2682544 (VCV002682544.1), dbSNP rs1689555661, ClinGen allele CA349372996.
Genomic context (GRCh38, chr2:177,231,662, plus strand): 5'-TCAGGGTGGTTTTGGTTGAAAGCTTTGCAAAGTGATAGATCAGAAACATCAATGGGCCCA[T>C]TTAGAAGTTCAGAGAGTGAATGGCTTAAAGTAGCAGGTGAGGGCATGCTGTTGCTGATAC-3'
Protein context (NP_006155.2, residues 304-324): TLSHSLSELL[Asn314Ser]GPIDVSDLSL